The following is an entry in ClinVar:

ClinVar aggregate classification (germline): Benign/Likely benign. Review status: criteria provided, multiple submitters, no conflicts (2 of 4 stars). 5 submissions from 5 submitters: Benign (2); Likely benign (2). 1 of the submissions does not count toward it. Last evaluated 2026-01-12.

Conditions:
ANKRD11-related disorder. Also called: ANKRD11-related condition.
Inborn genetic diseases. Identifiers: MedGen C0950123, MeSH D030342.
KBG syndrome (KBGS). Also called: ANKRD11-Related KBG Syndrome. Identifiers: Orphanet 2332, MedGen C0220687, MONDO:0007846, OMIM 148050.

Allele frequency attached by ClinVar (database versions not stated): gnomAD exomes 0.00005 and 0.00016; ExAC 0.00018; 1000 Genomes Project 0.00060; 1000 Genomes Project 30x 0.00062; gnomAD 0.00070 and 0.00083; TOPMed 0.00074.
gnomAD v4.1: 191 of 1,586,480 alleles (0.012%); highest among the groups gnomAD compares: African/African-American, 0.21%; no homozygotes.

Submissions (5):

Labcorp Genetics (formerly Invitae), Labcorp
Classification: Likely benign for KBG syndrome. Last evaluated: 2026-01-12. Review status: criteria provided, single submitter. Criteria: Invitae Variant Classification Sherloc (09022015). Collection method: clinical testing. Allele origin: germline.

Ambry Genetics
Classification: Likely benign for Inborn genetic diseases. Last evaluated: 2023-05-11. Review status: criteria provided, single submitter. Criteria: Ambry Variant Classification Scheme 2023. Collection method: clinical testing. Allele origin: germline.

Genome-Nilou Lab
Classification: Benign for KBG syndrome. Last evaluated: 2021-12-05. Review status: criteria provided, single submitter. Criteria: ACMG Guidelines, 2015. Collection method: clinical testing. Allele origin: germline. Affected: no.

GeneDx
Classification: Benign. Last evaluated: 2020-03-13. Review status: criteria provided, single submitter. Criteria: GeneDx Variant Classification Process June 2021. Collection method: clinical testing. Allele origin: germline. Affected: yes.

PreventionGenetics, part of Exact Sciences
Classification: Likely benign for ANKRD11-related condition. Last evaluated: 2021-11-09. Review status: no assertion criteria provided. Collection method: clinical testing. Allele origin: germline. Not counted in ClinVar's aggregate classification.
Comment: This variant is classified as likely benign based on ACMG/AMP sequence variant interpretation guidelines (Richards et al. 2015 PMID: 25741868, with internal and published modifications).

NM_013275.6(ANKRD11):c.6221A>C (p.Glu2074Ala)

Gene: ANKRD11 (ankyrin repeat domain 11; minus strand). Cytogenetic location: 16q24.3.
Variant type: single nucleotide variant.
Coding change: c.6221A>C on transcript NM_013275.6 (MANE Select); coding-DNA position 6221, A replaced by C.
Protein change: p.Glu2074Ala; replaces glutamic acid 2074 with alanine.
Molecular consequence: missense variant.
Genome position (GRCh38, 1-based): chr16:89,280,321, T>G on the plus strand (A>C on the coding strand, the complement: ANKRD11 is on the minus strand). VCF-style: chr16-89280321-T-G. GRCh37 (hg19) VCF-style: chr16-89346729-T-G.
Other names: c.6221A>C, p.Glu2074Ala (NM_001256182.2, NM_001256183.2); c.6221A>C (NM_013275.4); short protein forms E2074A.
Identifiers: ClinVar variation 707101 (VCV000707101.16), dbSNP rs201401760, ClinGen allele CA8241527.